The following is an entry in ClinVar:

ClinVar aggregate classification (germline): Uncertain significance (1 of 4 stars; one submission).

Conditions:
Autosomal dominant limb-girdle muscular dystrophy type 1G (LGMDD3). Also called: Limb-girdle muscular dystrophy, type 1G; MUSCULAR DYSTROPHY, LIMB-GIRDLE, AUTOSOMAL DOMINANT 3. Identifiers: Orphanet 55596, MedGen C1836765, MONDO:0012193, OMIM 609115.

Submission:

Labcorp Genetics (formerly Invitae), Labcorp
Classification: Uncertain significance for Autosomal dominant limb-girdle muscular dystrophy type 1G. Last evaluated: 2024-05-25. Review status: criteria provided, single submitter. Criteria: Invitae Variant Classification Sherloc (09022015). Collection method: clinical testing. Allele origin: germline.
Comment: This sequence change replaces arginine, which is basic and polar, with serine, which is neutral and polar, at codon 6 of the HNRNPDL protein (p.Arg6Ser). This variant is not present in population databases (gnomAD no frequency). This variant has not been reported in the literature in individuals affected with HNRNPDL-related conditions. An algorithm developed to predict the effect of missense changes on protein structure and function (PolyPhen-2) suggests that this variant is likely to be tolerated. In summary, the available evidence is currently insufficient to determine the role of this variant in disease. Therefore, it has been classified as a Variant of Uncertain Significance.

NM_031372.4(HNRNPDL):c.18G>C (p.Arg6Ser)

Gene: HNRNPDL (heterogeneous nuclear ribonucleoprotein D like; minus strand). Cytogenetic location: 4q21.22.
Variant type: single nucleotide variant.
Coding change: c.18G>C on transcript NM_031372.4 (MANE Select); coding-DNA position 18, G replaced by C.
Protein change: p.Arg6Ser; replaces arginine 6 with serine.
Molecular consequence: missense variant. On other transcripts: non-coding transcript variant (1).
Genome position (GRCh38, 1-based): chr4:82,429,673, C>G on the plus strand (G>C on the coding strand, the complement: HNRNPDL is on the minus strand). VCF-style: chr4-82429673-C-G. GRCh37 (hg19) VCF-style: chr4-83350826-C-G.
Other names: c.18G>C, p.Arg6Ser (NM_001207000.1); short protein forms R6S.
Identifiers: ClinVar variation 3717901 (VCV003717901.2).